The following is an entry in ClinVar:

ClinVar aggregate classification (germline): Pathogenic (1 of 4 stars; one submission).

Submission:

Labcorp Genetics (formerly Invitae), Labcorp
Classification: Pathogenic. Last evaluated: 2022-08-11. Review status: criteria provided, single submitter. Criteria: Invitae Variant Classification Sherloc (09022015). Collection method: clinical testing. Allele origin: germline.
Comment: For these reasons, this variant has been classified as Pathogenic. This variant has not been reported in the literature in individuals affected with CNGB1-related conditions. This variant is not present in population databases (gnomAD no frequency). This sequence change creates a premature translational stop signal (p.Glu167Lysfs*110) in the CNGB1 gene. It is expected to result in an absent or disrupted protein product. Loss-of-function variants in CNGB1 are known to be pathogenic (PMID: 15557452, 24043777).

Literature cited by the submitters: PubMed 15557452; PubMed 24043777.

NM_001297.5(CNGB1):c.499del (p.Glu167fs)

Gene: CNGB1 (cyclic nucleotide gated channel subunit beta 1; minus strand). Cytogenetic location: 16q21.
Variant type: Deletion.
Coding change: c.499del on transcript NM_001297.5 (MANE Select); coding-DNA position 499, one base deleted (G; older notation c.499delG).
Protein change: p.Glu167fs; shifts the reading frame from glutamic acid 167.
Molecular consequence: frameshift variant.
Genome position (GRCh38, 1-based): chr16:57,960,875, C deleted on the plus strand (G on the coding strand, the reverse complement: CNGB1 is on the minus strand); the first of 2 consecutive C bases (chr16:57,960,875-57,960,876); deleting either gives the same sequence. VCF-style (leftmost placement, unchanged base first): chr16-57960874-TC-T. GRCh37 (hg19) VCF-style: chr16-57994778-TC-T.
Other names: c.499del, p.Glu167fs (NM_001135639.2, NM_001286130.2); short protein forms E167fs.
Identifiers: ClinVar variation 2023552 (VCV002023552.4), dbSNP rs2544678151, ClinGen allele CA2580091735.
Genomic context (GRCh38, chr16:57,960,874, plus strand): 5'-CCCTGCCTCTCCCTTCCTTGGCTCACCTCAGAGGATTTGGGGGGCTGAGGAAGCACTCTT[TC>T]CAGATTCTGCTCCAGCCACAGAAGCAGCCGCAGCCCAGGCCTGCAGAGGGGCCAGTGATC-3'